The following is an entry in ClinVar:

NM_007118.4(TRIO):c.4142A>G (p.Gln1381Arg)

Gene: TRIO (trio Rho guanine nucleotide exchange factor; plus strand). Cytogenetic location: 5p15.2.
Variant type: single nucleotide variant.
Coding change: c.4142A>G on transcript NM_007118.4 (MANE Select); coding-DNA position 4142, A replaced by G.
Protein change: p.Gln1381Arg; replaces glutamine 1381 with arginine.
Molecular consequence: missense variant. On other transcripts: non-coding transcript variant (1).
Genome position (GRCh38, 1-based): chr5:14,390,914, A>G. VCF-style: chr5-14390914-A-G. GRCh37 (hg19) VCF-style: chr5-14391023-A-G.
Other names: short protein forms Q1381R.
Identifiers: ClinVar variation 4840213 (VCV004840213.1).
Genomic context (GRCh38, chr5:14,390,914, plus strand): 5'-TTGACTTGTTATGATTTAAATGAGATCTTTTTTTTTTTGGCTTACAGGCAGACAAGTTTC[A>G]GATGTATGTCACATATTGCAAAAATAAGCCTGATTCTACTCAGCTGATATTGGAACATGC-3'
Protein context (NP_009049.2, residues 1371-1391): HCFVTWADKF[Gln1381Arg]MYVTYCKNKP

ClinVar aggregate classification (germline): Uncertain significance (1 of 4 stars; one submission).

Conditions:
Inborn genetic diseases. Identifiers: MedGen C0950123, MeSH D030342.

gnomAD v4.1: 1 of 1,604,596 alleles (0.000062%); highest among the groups gnomAD compares: Non-Finnish European, 0.000085%; no homozygotes.

Submission:

Ambry Genetics
Classification: Uncertain significance for Inborn genetic diseases. Last evaluated: 2026-02-23. Review status: criteria provided, single submitter. Criteria: Ambry Variant Classification Scheme 2023. Collection method: clinical testing. Allele origin: germline.
Comment: The c.4142A>G (p.Q1381R) alteration is located in exon 27 (coding exon 27) of the TRIO gene. This alteration results from a A to G substitution at nucleotide position 4142, causing the glutamine (Q) at amino acid position 1381 to be replaced by an arginine (R). Based on data from gnomAD, the G allele has an overall frequency of <0.001% (1/241552) total alleles studied. The highest observed frequency was 0.001% (1/110808) of European (non-Finnish) alleles. Based on insufficient or conflicting evidence, the clinical significance of this alteration remains unclear.